The following is an entry in ClinVar:

ClinVar aggregate classification (germline): Benign/Likely benign. Review status: criteria provided, multiple submitters, no conflicts (2 of 4 stars). 4 submissions from 4 submitters: Benign (1); Likely benign (3). Last evaluated 2025-07-14.

Conditions:
Cerebral arteriopathy, autosomal dominant, with subcortical infarcts and leukoencephalopathy, type 1 (CADASIL1). Also called: CADASIL 1; CASIL; Cerebral arteriopathy with subcortical infarcts and leukoencephalopathy 1; DEMENTIA, HEREDITARY MULTIINFARCT TYPE. Identifiers: Orphanet 136, MedGen C4551768, MONDO:0000914, OMIM 125310.

Allele frequency attached by ClinVar (database versions not stated): ESP Exome Variant Server 0.00008; gnomAD 0.00008 and 0.00013; gnomAD exomes 0.00008 and 0.00009; ExAC 0.00010; TOPMed 0.00016; 1000 Genomes Project 30x 0.00047; 1000 Genomes Project 0.00060.
gnomAD v4.1: 131 of 1,614,068 alleles (0.0081%); highest among the groups gnomAD compares: Middle Eastern, 0.033%; no homozygotes.

Submissions (4):

Labcorp Genetics (formerly Invitae), Labcorp
Classification: Likely benign. Last evaluated: 2025-07-14. Review status: criteria provided, single submitter. Criteria: Invitae Variant Classification Sherloc (09022015). Collection method: clinical testing. Allele origin: germline.

Blueprint Genetics
Classification: Likely benign. Last evaluated: 2022-05-11. Review status: criteria provided, single submitter. Criteria: ACMG Guidelines, 2015. Collection method: clinical testing. Allele origin: germline.

Athena Diagnostics
Classification: Benign. Last evaluated: 2018-12-21. Review status: criteria provided, single submitter. Criteria: Athena Diagnostics Criteria. Collection method: clinical testing. Allele origin: germline.

Illumina Laboratory Services, Illumina
Classification: Likely benign for Cerebral arteriopathy, autosomal dominant, with subcortical infarcts and leukoencephalopathy, type 1. Last evaluated: 2018-01-12. Review status: criteria provided, single submitter. Criteria: ICSL Variant Classification Criteria 13 December 2019. Collection method: clinical testing. Allele origin: germline.
Comment: This variant was observed in the ICSL laboratory as part of a predisposition screen in an ostensibly healthy population. It had not been previously curated by ICSL or reported in the Human Gene Mutation Database (HGMD: prior to June 1st, 2018), and was therefore a candidate for classification through an automated scoring system. Utilizing variant allele frequency, disease prevalence and penetrance estimates, and inheritance mode, an automated score was calculated to assess if this variant is too frequent to cause the disease. Based on the score and internal cut-off values, a variant classified as likely benign is not then subjected to further curation. The score for this variant resulted in a classification of likely benign for this disease.

NM_000435.3(NOTCH3):c.5376G>A (p.Pro1792=)

Gene: NOTCH3 (notch receptor 3; minus strand). Cytogenetic location: 19p13.12.
Variant type: single nucleotide variant.
Coding change: c.5376G>A on transcript NM_000435.3 (MANE Select); coding-DNA position 5376, G replaced by A.
Protein change: p.Pro1792=; no amino-acid change (proline 1792 retained).
Molecular consequence: synonymous variant.
Genome position (GRCh38, 1-based): chr19:15,166,078, C>T on the plus strand (G>A on the coding strand, the complement: NOTCH3 is on the minus strand). VCF-style: chr19-15166078-C-T. GRCh37 (hg19) VCF-style: chr19-15276889-C-T.
Identifiers: ClinVar variation 328383 (VCV000328383.14), dbSNP rs374875084, ClinGen allele CA9262626.